The following is an entry in ClinVar:

NM_001267550.2(TTN):c.6061C>T (p.Arg2021Ter)

Gene: TTN (titin; minus strand). Cytogenetic location: 2q31.2.
Variant type: single nucleotide variant.
Coding change: c.6061C>T on transcript NM_001267550.2 (MANE Select); coding-DNA position 6061, C replaced by T.
Protein change: p.Arg2021Ter; replaces arginine 2021 with a stop codon.
Molecular consequence: nonsense.
Genome position (GRCh38, 1-based): chr2:178,775,803, G>A on the plus strand (C>T on the coding strand, the complement: TTN is on the minus strand). VCF-style: chr2-178775803-G-A. GRCh37 (hg19) VCF-style: chr2-179640530-G-A.
Other names: c.6061C>T, p.Arg2021Ter (NM_001256850.1, NM_133378.4, NM_133379.5); c.5923C>T, p.Arg1975Ter (NM_003319.4, NM_133432.3, NM_133437.4); short protein forms R1975*, R2021*.
Identifiers: ClinVar variation 1940035 (VCV001940035.7), dbSNP rs2092153679, ClinGen allele CA349444230.

ClinVar aggregate classification (germline): Pathogenic/Likely pathogenic. Review status: criteria provided, multiple submitters, no conflicts (2 of 4 stars). 2 submissions from 2 submitters: Pathogenic (1); Likely pathogenic (1). Last evaluated 2025-10-02.

Conditions:
Cardiovascular phenotype. Identifiers: MedGen CN230736.
Dilated cardiomyopathy 1G (CMD1G). Identifiers: Orphanet 154, MedGen C1858763, MONDO:0011400, OMIM 604145.
Autosomal recessive limb-girdle muscular dystrophy type 2J (LGMDR10). Also called: Limb-girdle muscular dystrophy, type 2J; MUSCULAR DYSTROPHY, LIMB-GIRDLE, AUTOSOMAL RECESSIVE 10. Identifiers: Orphanet 140922, MedGen C1837342, MONDO:0012127, OMIM 608807.

Allele frequency attached by ClinVar (database versions not stated): TOPMed below 0.00001.

Submissions (2):

Labcorp Genetics (formerly Invitae), Labcorp
Classification: Pathogenic for Dilated cardiomyopathy 1G; Autosomal recessive limb-girdle muscular dystrophy type 2J. Last evaluated: 2025-10-02. Review status: criteria provided, single submitter. Criteria: Invitae Variant Classification Sherloc (09022015). Collection method: clinical testing. Allele origin: germline.
Comment: This sequence change creates a premature translational stop signal (p.Arg2021*) in the TTN gene. While this is not anticipated to result in nonsense mediated decay, it is expected to create a truncated TTN protein. This variant is not present in population databases (gnomAD no frequency). This variant has not been observed in the literature in individuals with autosomal recessive TTN-related conditions. This variant has been reported in individual(s) with clinical features of autosomal dominant dilated cardiomyopathy (PMID: 35572216); however, the role of the variant in this condition is currently unclear. ClinVar contains an entry for this variant (Variation ID: 1940035). Studies have shown that this premature translational stop signal alters TTN gene expression (PMID: 35572216). This variant is located in the Z band of TTN (PMID: 25589632). Truncating variants in this region have been reported in individuals affected with autosomal recessive centronuclear myopathy (PMID: 33449170, internal data). Truncating variants in this region have also been identified in individuals affected with autosomal dominant dilated cardiomyopathy and/or cardio-related conditions (PMID: 27869827, 32964742, internal data). For these reasons, this variant has been classified as Pathogenic.

Ambry Genetics
Classification: Likely pathogenic for Cardiovascular phenotype. Last evaluated: 2025-03-04. Review status: criteria provided, single submitter. Criteria: Ambry Variant Classification Scheme 2023. Collection method: clinical testing. Allele origin: germline.
Comment: The p.R1975* variant (also known as c.5923C>T), located in coding exon 26 of the TTN gene, results from a C to T substitution at nucleotide position 5923. This changes the amino acid from an arginine to a stop codon within coding exon 26. This exon is located in the near Z-disk/I-band region of the N2-B isoform of the titin protein and is not constitutively expressed in TTN transcripts (percent spliced in or PSI 100%). This alteration has been reported in a family with left ventricular non-compaction (Dong XQ et al. J Geriatr Cardiol, 2022 Apr;19:301-314). This variant was reported in individual(s) with features consistent with dilated cardiomyopathy (Ambry internal data). This variant is considered to be rare based on population cohorts in the Genome Aggregation Database (gnomAD). This variant is expected to result in loss of function by premature protein truncation or nonsense-mediated mRNA decay. While truncating variants in TTN are present in 1-3% of the general population, truncating variants in the A-band are the most common cause of dilated cardiomyopathy (Herman DS et al. N. Engl. J. Med., 2012 Feb;366:619-28; Roberts AM et al. Sci Transl Med, 2015 Jan;7:270ra6). TTN truncating variants encoded in constitutive exons (PSI >90%) have been found to be significantly associated with DCM regardless of their position in titin (Schafer S et al. Nat. Genet., 2017 01;49:46-53; Akhtar MM et al. Circ Heart Fail, 2020 Oct;13:e006832; Massier M et al. Clin Genet, 2025 Jan). Based on the majority of available evidence to date, this variant is likely to be pathogenic.

Literature cited by the submitters: PubMed 35572216 (cited by Labcorp Genetics (formerly Invitae), Labcorp and Ambry Genetics); PubMed 25589632 (cited by Labcorp Genetics (formerly Invitae), Labcorp); PubMed 33449170 (cited by Labcorp Genetics (formerly Invitae), Labcorp); PubMed 27869827 (cited by Labcorp Genetics (formerly Invitae), Labcorp); PubMed 32964742 (cited by Labcorp Genetics (formerly Invitae), Labcorp).